The following is an entry in ClinVar:

GRCh38/hg38 14q32.2-32.33(chr14:100808300-106855263)x1

Genes: MARK3 (microtubule affinity regulating kinase 3; plus strand), MEG3 (maternally expressed 3; plus strand), MEG8 (maternally expressed 8, small nucleolar RNA host gene; plus strand), MEG9 (maternally expressed 9; plus strand), MIR1185-1 (microRNA 1185-1; plus strand) and 558 more. Cytogenetic location: 14q32.2-32.33.
Variant type: copy number loss.
Change: copy number 1 (one copy instead of two) of chr14:100,808,300-106,855,263 (6.05 Mb, GRCh38 coordinates, 1-based), cytogenetic band 14q32.2-32.33.
Identifiers: ClinVar variation 57413 (VCV000057413.1).

ClinVar aggregate classification (germline): Pathogenic (1 of 4 stars; one submission).

Submission:

ISCA site 4
Classification: Pathogenic. Last evaluated: 2011-08-12. Review status: criteria provided, single submitter. Criteria: Kaminsky et al. (Genet Med. 2011). Collection method: clinical testing. Allele origin: unknown. Affected: yes. Observed: 1 variant allele.
Comment: Copy number variation identified through the course of routine clinical cytogenomic testing in postnatal populations. Clinical assertions have been curated as described in Kaminsky et al. 2011.